The following is an entry in ClinVar:

NM_000616.5(CD4):c.924G>A (p.Leu308=)

Gene: CD4 (CD4 molecule; plus strand). Cytogenetic location: 12p13.31.
Variant type: single nucleotide variant.
Coding change: c.924G>A on transcript NM_000616.5 (MANE Select); coding-DNA position 924, G replaced by A.
Protein change: p.Leu308=; no amino-acid change (leucine 308 retained).
Molecular consequence: synonymous variant.
Genome position (GRCh38, 1-based): chr12:6,816,372, G>A. VCF-style: chr12-6816372-G-A. GRCh37 (hg19) VCF-style: chr12-6925538-G-A.
Other names: c.387G>A, p.Leu129= (NM_001195014.3); c.105G>A, p.Leu35= (NM_001195015.3, NM_001195016.3, NM_001195017.3 and 2 more transcripts); c.924G>A, p.Leu308= (NM_001382707.1); c.759G>A, p.Leu253= (NM_001382714.1).
Identifiers: ClinVar variation 2642637 (VCV002642637.24), dbSNP rs201475129, ClinGen allele CA6415923.

ClinVar aggregate classification (germline): Likely benign (1 of 4 stars; one submission).

Allele frequency attached by ClinVar (database versions not stated): ExAC 0.00004; gnomAD 0.00005; gnomAD exomes 0.00005; TOPMed 0.00005; ESP Exome Variant Server 0.00008.
gnomAD v4.1: 80 of 1,614,028 alleles (0.005%); highest among the groups gnomAD compares: Middle Eastern, 0.016%; no homozygotes.

Submission:

CeGaT Center for Human Genetics Tuebingen
Classification: Likely benign. Last evaluated: 2023-04-01. Review status: criteria provided, single submitter. Criteria: CeGaT Center For Human Genetics Tuebingen Variant Classification Criteria Version 2. Collection method: clinical testing. Allele origin: germline. Affected: yes. Observed: 1 variant allele.
Comment: CD4: BP4, BP7